The following is an entry in ClinVar:

NM_001130438.3(SPTAN1):c.7154C>A (p.Pro2385Gln)

Gene: SPTAN1 (spectrin alpha, non-erythrocytic 1; plus strand). Cytogenetic location: 9q34.11.
Variant type: single nucleotide variant.
Coding change: c.7154C>A on transcript NM_001130438.3 (MANE Select); coding-DNA position 7154, C replaced by A.
Protein change: p.Pro2385Gln; replaces proline 2385 with glutamine.
Molecular consequence: missense variant.
Genome position (GRCh38, 1-based): chr9:128,632,712, C>A. VCF-style: chr9-128632712-C-A. GRCh37 (hg19) VCF-style: chr9-131394991-C-A.
Other names: c.7094C>A, p.Pro2365Gln (NM_001363765.2, NM_001375314.2); c.7241C>A, p.Pro2414Gln (NM_001375310.1); c.7154C>A, p.Pro2385Gln (NM_001375311.2); c.7190C>A, p.Pro2397Gln (NM_001375312.2); c.7136C>A, p.Pro2379Gln (NM_001375313.1); c.7253C>A, p.Pro2418Gln (NM_001375318.1); c.7139C>A, p.Pro2380Gln (NM_003127.4); c.7079C>A, p.Pro2360Gln (NM_001195532.2); and 1 more; short protein forms P2360Q, P2379Q, P2380Q, P2385Q, P2406Q, P2397Q, P2414Q, P2418Q.
Identifiers: ClinVar variation 2706594 (VCV002706594.3), dbSNP rs755081860, ClinGen allele CA375101252.

ClinVar aggregate classification (germline): Uncertain significance (1 of 4 stars; one submission).

Conditions:
Early-infantile DEE. Also called: Ohtahara syndrome; Early infantile epileptic encephalopathy with suppression bursts; Early infantile epileptic encephalopathy. Identifiers: Orphanet 1934, MedGen C0393706, MONDO:0800491.

Submission:

Labcorp Genetics (formerly Invitae), Labcorp
Classification: Uncertain significance for Early-infantile DEE. Last evaluated: 2024-01-08. Review status: criteria provided, single submitter. Criteria: Invitae Variant Classification Sherloc (09022015). Collection method: clinical testing. Allele origin: germline.
Comment: This sequence change replaces proline, which is neutral and non-polar, with glutamine, which is neutral and polar, at codon 2385 of the SPTAN1 protein (p.Pro2385Gln). This variant is not present in population databases (gnomAD no frequency). This variant has not been reported in the literature in individuals affected with SPTAN1-related conditions. Advanced modeling of protein sequence and biophysical properties (such as structural, functional, and spatial information, amino acid conservation, physicochemical variation, residue mobility, and thermodynamic stability) has been performed at Invitae for this missense variant, however the output from this modeling did not meet the statistical confidence thresholds required to predict the impact of this variant on SPTAN1 protein function. In summary, the available evidence is currently insufficient to determine the role of this variant in disease. Therefore, it has been classified as a Variant of Uncertain Significance.